The following is an entry in ClinVar:

NM_152564.5(VPS13B):c.1324T>G (p.Phe442Val)

Gene: VPS13B (vacuolar protein sorting 13 homolog B; plus strand). Cytogenetic location: 8q22.2.
Variant type: single nucleotide variant.
Coding change: c.1324T>G on transcript NM_152564.5 (MANE Select); coding-DNA position 1324, T replaced by G.
Protein change: p.Phe442Val; replaces phenylalanine 442 with valine.
Molecular consequence: missense variant.
Genome position (GRCh38, 1-based): chr8:99,135,036, T>G. VCF-style: chr8-99135036-T-G. GRCh37 (hg19) VCF-style: chr8-100147264-T-G.
Other names: c.1324T>G, p.Phe442Val (NM_015243.3, NM_017890.5); short protein forms F442V.
Identifiers: ClinVar variation 2102336 (VCV002102336.4), dbSNP rs2488760121, ClinGen allele CA371862716.

ClinVar aggregate classification (germline): Uncertain significance (1 of 4 stars; one submission).

Conditions:
Cohen syndrome (COH1). Also called: Cutis verticis gyrata, retinitis pigmentosa, and sensorineural deafness; PEPPER SYNDROME. Identifiers: Orphanet 193, MedGen C0265223, MONDO:0008999, OMIM 216550.

Submission:

Labcorp Genetics (formerly Invitae), Labcorp
Classification: Uncertain significance for Cohen syndrome. Last evaluated: 2023-08-10. Review status: criteria provided, single submitter. Criteria: Invitae Variant Classification Sherloc (09022015). Collection method: clinical testing. Allele origin: germline.
Comment: In summary, the available evidence is currently insufficient to determine the role of this variant in disease. Therefore, it has been classified as a Variant of Uncertain Significance. Advanced modeling of protein sequence and biophysical properties (such as structural, functional, and spatial information, amino acid conservation, physicochemical variation, residue mobility, and thermodynamic stability) performed at Invitae indicates that this missense variant is expected to disrupt VPS13B protein function. ClinVar contains an entry for this variant (Variation ID: 2102336). This variant has not been reported in the literature in individuals affected with VPS13B-related conditions. This variant is not present in population databases (gnomAD no frequency). This sequence change replaces phenylalanine, which is neutral and non-polar, with valine, which is neutral and non-polar, at codon 442 of the VPS13B protein (p.Phe442Val).